The following is an entry in ClinVar:

NM_017999.5(RNF31):c.2122C>T (p.His708Tyr)

Gene: RNF31 (ring finger protein 31; plus strand). Cytogenetic location: 14q12.
Variant type: single nucleotide variant.
Coding change: c.2122C>T on transcript NM_017999.5 (MANE Select); coding-DNA position 2122, C replaced by T.
Protein change: p.His708Tyr; replaces histidine 708 with tyrosine.
Molecular consequence: missense variant.
Genome position (GRCh38, 1-based): chr14:24,151,984, C>T. VCF-style: chr14-24151984-C-T. GRCh37 (hg19) VCF-style: chr14-24621193-C-T.
Other names: c.1669C>T, p.His557Tyr (NM_001310332.2); c.2122C>T (NM_017999.4); short protein forms H557Y, H708Y.
Identifiers: ClinVar variation 2986784 (VCV002986784.4), dbSNP rs539576377, ClinGen allele CA7125967.

ClinVar aggregate classification (germline): Uncertain significance. Review status: criteria provided, multiple submitters, no conflicts (2 of 4 stars). 2 submissions from 2 submitters: Uncertain significance (2). Last evaluated 2025-08-22.

Allele frequency attached by ClinVar (database versions not stated): gnomAD 0.00001; gnomAD exomes 0.00003; ExAC 0.00003.
gnomAD v4.1: 48 of 1,613,776 alleles (0.003%); highest among the groups gnomAD compares: South Asian, 0.051%; 2 homozygotes.

Submissions (2):

Ambry Genetics
Classification: Uncertain significance. Last evaluated: 2025-08-22. Review status: criteria provided, single submitter. Criteria: Ambry Variant Classification Scheme 2023. Collection method: clinical testing. Allele origin: germline.

Labcorp Genetics (formerly Invitae), Labcorp
Classification: Uncertain significance. Last evaluated: 2025-04-30. Review status: criteria provided, single submitter. Criteria: Invitae Variant Classification Sherloc (09022015). Collection method: clinical testing. Allele origin: germline.
Comment: This sequence change replaces histidine, which is basic and polar, with tyrosine, which is neutral and polar, at codon 708 of the RNF31 protein (p.His708Tyr). This variant is present in population databases (rs539576377, gnomAD 0.05%). This variant has not been reported in the literature in individuals affected with RNF31-related conditions. ClinVar contains an entry for this variant (Variation ID: 2986784). An algorithm developed to predict the effect of missense changes on protein structure and function (PolyPhen-2) suggests that this variant is likely to be tolerated. In summary, the available evidence is currently insufficient to determine the role of this variant in disease. Therefore, it has been classified as a Variant of Uncertain Significance.